The following is an entry in ClinVar:

NM_001987.5(ETV6):c.313C>T (p.Arg105Ter)

Genes: ETV6 (ETS variant transcription factor 6; plus strand), LOC126861451 (BRD4-independent group 4 enhancer GRCh37_chr12:11991350-11992549; plus strand). Cytogenetic location: 12p13.2.
Variant type: single nucleotide variant.
Coding change: c.313C>T on transcript NM_001987.5 (MANE Select); coding-DNA position 313, C replaced by T.
Protein change: p.Arg105Ter; replaces arginine 105 with a stop codon.
Molecular consequence: nonsense.
Genome position (GRCh38, 1-based): chr12:11,839,289, C>T. VCF-style: chr12-11839289-C-T. GRCh37 (hg19) VCF-style: chr12-11992223-C-T.
Other names: short protein forms R105*.
Identifiers: ClinVar variation 988846 (VCV000988846.4), dbSNP rs1946357179, ClinGen allele CA384042862.

ClinVar aggregate classification (germline): Pathogenic/Likely pathogenic. Review status: criteria provided, multiple submitters, no conflicts (2 of 4 stars). 4 submissions from 4 submitters: Pathogenic (1); Likely pathogenic (2). 1 of the submissions does not count toward it. Last evaluated 2026-03-02.

Conditions:
ETV6-related disorder. Also called: ETV6-related condition.
ETV6-related disorders.
Inborn genetic diseases. Identifiers: MedGen C0950123, MeSH D030342.
Thrombocytopenia. Identifiers: MedGen C0040034, MeSH D013921, MONDO:0002049, HP:0001873.
Abnormal bleeding. Also called: Bleeding diathesis. Identifiers: MedGen C1458140, HP:0001892.

Submissions (4):

Ambry Genetics
Classification: Pathogenic for Inborn genetic diseases. Last evaluated: 2026-03-02. Review status: criteria provided, single submitter. Criteria: Ambry Variant Classification Scheme 2023. Collection method: clinical testing. Allele origin: germline.
Comment: The p.R105* pathogenic mutation (also known as c.313C>T), located in coding exon 3 of the ETV6 gene, results from a C to T substitution at nucleotide position 313. This changes the amino acid from an arginine to a stop codon within coding exon 3. This variant is considered to be rare based on population cohorts in the Genome Aggregation Database (gnomAD). This alteration is expected to result in loss of function by premature protein truncation or nonsense-mediated mRNA decay. As such, this alteration is interpreted as a disease-causing mutation.

PreventionGenetics, part of Exact Sciences
Classification: Likely pathogenic for ETV6-related condition. Last evaluated: 2022-08-30. Review status: criteria provided, single submitter. Criteria: ACMG Guidelines, 2015. Collection method: clinical testing. Allele origin: germline.
Comment: The ETV6 c.313C>T variant is predicted to result in premature protein termination (p.Arg105*). This variant has been reported in an individual with suspected inherited bleeding disorders (Almazni et al. 2020. PubMed ID: 32935436). This variant has not been reported in a large population database, indicating this variant is rare. Nonsense variants in ETV6 are expected to be pathogenic. This variant is interpreted as likely pathogenic.

Blueprint Genetics
Classification: Likely pathogenic for ETV6-related disorders. Last evaluated: 2021-07-01. Review status: criteria provided, single submitter. Criteria: ACMG Guidelines, 2015. Collection method: clinical testing. Allele origin: germline. Affected: yes. Observed: 2 variant alleles.

Birmingham Platelet Group; University of Birmingham
Classification: Likely pathogenic for Thrombocytopenia; Abnormal bleeding. Last evaluated: 2020-05-01. Review status: no assertion criteria provided. Collection method: research. Allele origin: germline. Affected: yes. Not counted in ClinVar's aggregate classification.